The following is an entry in ClinVar:

ClinVar aggregate classification (germline): Likely benign. Review status: criteria provided, multiple submitters, no conflicts (2 of 4 stars). 2 submissions from 2 submitters: Likely benign (2). Last evaluated 2025-04-09.

Conditions:
PCNT-related disorder. Also called: PCNT-related condition.

Allele frequency attached by ClinVar (database versions not stated): gnomAD exomes below 0.00001.
gnomAD v4.1: 1 of 1,614,170 alleles (0.000062%); highest among the groups gnomAD compares: Non-Finnish European, 0.000085%; no homozygotes.

Submissions (2):

PreventionGenetics, part of Exact Sciences
Classification: Likely benign for PCNT-related condition. Last evaluated: 2025-04-09. Review status: criteria provided, single submitter. Criteria: ACMG Guidelines, 2015. Collection method: clinical testing. Allele origin: germline.
Comment: This variant is classified as likely benign based on ACMG/AMP sequence variant interpretation guidelines (Richards et al. 2015 PMID: 25741868, with internal and published modifications).

Labcorp Genetics (formerly Invitae), Labcorp
Classification: Likely benign. Last evaluated: 2023-06-04. Review status: criteria provided, single submitter. Criteria: Invitae Variant Classification Sherloc (09022015). Collection method: clinical testing. Allele origin: germline.

NM_006031.6(PCNT):c.2382T>C (p.Ala794=)

Gene: PCNT (pericentrin; plus strand). Cytogenetic location: 21q22.3.
Variant type: single nucleotide variant.
Coding change: c.2382T>C on transcript NM_006031.6 (MANE Select); coding-DNA position 2382, T replaced by C.
Protein change: p.Ala794=; no amino-acid change (alanine 794 retained).
Molecular consequence: synonymous variant.
Genome position (GRCh38, 1-based): chr21:46,363,707, T>C. VCF-style: chr21-46363707-T-C. GRCh37 (hg19) VCF-style: chr21-47783622-T-C.
Other names: c.2028T>C, p.Ala676= (NM_001315529.2); c.2382T>C (NM_006031.5).
Identifiers: ClinVar variation 2867644 (VCV002867644.4), dbSNP rs2518223922, ClinGen allele CA513173168.